The following is an entry in ClinVar:

ClinVar aggregate classification (germline): Likely benign (1 of 4 stars; one submission).

Submission:

CeGaT Center for Human Genetics Tuebingen
Classification: Likely benign. Last evaluated: 2025-04-01. Review status: criteria provided, single submitter. Criteria: CeGaT Center For Human Genetics Tuebingen Variant Classification Criteria Version 2. Collection method: clinical testing. Allele origin: germline. Affected: yes. Observed: 1 variant allele.
Comment: CEL: PM2:Supporting, BP4, BP7

NM_001807.6(CEL):c.1968C>T (p.Ala656=)

Gene: CEL (carboxyl ester lipase; plus strand). Cytogenetic location: 9q34.13.
Variant type: single nucleotide variant.
Coding change: c.1968C>T on transcript NM_001807.6 (MANE Select); coding-DNA position 1968, C replaced by T.
Protein change: p.Ala656=; no amino-acid change (alanine 656 retained).
Molecular consequence: synonymous variant.
Genome position (GRCh38, 1-based): chr9:133,071,470, C>T. VCF-style: chr9-133071470-C-T. GRCh37 (hg19) VCF-style: chr9-135946857-C-T.
Identifiers: ClinVar variation 3905303 (VCV003905303.10).